The following is an entry in ClinVar:

NM_000186.4(CFH):c.2835G>C (p.Met945Ile)

Gene: CFH (complement factor H; plus strand). Cytogenetic location: 1q31.3.
Variant type: single nucleotide variant.
Coding change: c.2835G>C on transcript NM_000186.4 (MANE Select); coding-DNA position 2835, G replaced by C.
Protein change: p.Met945Ile; replaces methionine 945 with isoleucine.
Molecular consequence: missense variant.
Genome position (GRCh38, 1-based): chr1:196,740,671, G>C. VCF-style: chr1-196740671-G-C. GRCh37 (hg19) VCF-style: chr1-196709801-G-C.
Other names: short protein forms M945I.
Identifiers: ClinVar variation 1417784 (VCV001417784.6), dbSNP rs1052991901, ClinGen allele CA35811391.

ClinVar aggregate classification (germline): Uncertain significance (1 of 4 stars; one submission).

Submission:

Labcorp Genetics (formerly Invitae), Labcorp
Classification: Uncertain significance. Last evaluated: 2022-09-06. Review status: criteria provided, single submitter. Criteria: Invitae Variant Classification Sherloc (09022015). Collection method: clinical testing. Allele origin: germline.
Comment: In summary, the available evidence is currently insufficient to determine the role of this variant in disease. Therefore, it has been classified as a Variant of Uncertain Significance. Algorithms developed to predict the effect of missense changes on protein structure and function (SIFT, PolyPhen-2, Align-GVGD) all suggest that this variant is likely to be tolerated. ClinVar contains an entry for this variant (Variation ID: 1417784). This variant has not been reported in the literature in individuals affected with CFH-related conditions. This variant is not present in population databases (gnomAD no frequency). This sequence change replaces methionine, which is neutral and non-polar, with isoleucine, which is neutral and non-polar, at codon 945 of the CFH protein (p.Met945Ile).